The following is an entry in ClinVar:

NM_024989.4(PGAP1):c.2375A>G (p.Asn792Ser)

Gene: PGAP1 (post-GPI attachment to proteins inositol deacylase 1; minus strand). Cytogenetic location: 2q33.1.
Variant type: single nucleotide variant.
Coding change: c.2375A>G on transcript NM_024989.4 (MANE Select); coding-DNA position 2375, A replaced by G.
Protein change: p.Asn792Ser; replaces asparagine 792 with serine.
Molecular consequence: missense variant.
Genome position (GRCh38, 1-based): chr2:196,844,038, T>C on the plus strand (A>G on the coding strand, the complement: PGAP1 is on the minus strand). VCF-style: chr2-196844038-T-C. GRCh37 (hg19) VCF-style: chr2-197708762-T-C.
Other names: c.1853A>G, p.Asn618Ser (NM_001321099.2); c.1208A>G, p.Asn403Ser (NM_001321100.2); short protein forms N618S, N403S, N792S.
Identifiers: ClinVar variation 645573 (VCV000645573.40), dbSNP rs36086547, ClinGen allele CA2040639.

ClinVar aggregate classification (germline): Conflicting classifications of pathogenicity. Review status: criteria provided, conflicting classifications (1 of 4 stars). 5 submissions from 5 submitters: Uncertain significance (4); Likely benign (1). Last evaluated 2026-09-01.

Conditions:
Inborn genetic diseases. Identifiers: MedGen C0950123, MeSH D030342.
Intellectual disability, autosomal recessive 42 (NEDDSBA). Also called: GLYCOSYLPHOSPHATIDYLINOSITOL BIOSYNTHESIS DEFECT 9; Neurodevelopmental disorder with dysmorphic features, spasticity, and brain abnormalities. Identifiers: Orphanet 88616, MedGen C4014343, MONDO:0014348, OMIM 615802.

Allele frequency attached by ClinVar (database versions not stated): gnomAD exomes 0.00026 and 0.00035; ExAC 0.00027; 1000 Genomes Project 30x 0.00031; gnomAD 0.00031 and 0.00035; TOPMed 0.00034; 1000 Genomes Project 0.00040; ESP Exome Variant Server 0.00054.

Submissions (5):

CeGaT Center for Human Genetics Tuebingen
Classification: Likely benign. Last evaluated: 2026-09-01. Review status: criteria provided, single submitter. Criteria: CeGaT Center For Human Genetics Tuebingen Variant Classification Criteria Version 2. Collection method: clinical testing. Allele origin: germline. Affected: yes. Observed: 2 variant alleles.
Comment: PGAP1: BP4

GeneDx
Classification: Uncertain significance. Last evaluated: 2023-02-20. Review status: criteria provided, single submitter. Criteria: GeneDx Variant Classification Process June 2021. Collection method: clinical testing. Allele origin: germline. Affected: yes.
Comment: In silico analysis supports that this missense variant does not alter protein structure/function; Has not been previously published as pathogenic or benign to our knowledge; This variant is associated with the following publications: (PMID: 28404951, 24784135)

Labcorp Genetics (formerly Invitae), Labcorp
Classification: Uncertain significance for Intellectual disability, autosomal recessive 42. Last evaluated: 2022-07-12. Review status: criteria provided, single submitter. Criteria: Invitae Variant Classification Sherloc (09022015). Collection method: clinical testing. Allele origin: germline.
Comment: This sequence change replaces asparagine, which is neutral and polar, with serine, which is neutral and polar, at codon 792 of the PGAP1 protein (p.Asn792Ser). This variant is present in population databases (rs36086547, gnomAD 0.04%). This variant has not been reported in the literature in individuals affected with PGAP1-related conditions. ClinVar contains an entry for this variant (Variation ID: 645573). Algorithms developed to predict the effect of missense changes on protein structure and function output the following: SIFT: "Tolerated"; PolyPhen-2: "Benign"; Align-GVGD: "Class C0". The serine amino acid residue is found in multiple mammalian species, which suggests that this missense change does not adversely affect protein function. In summary, the available evidence is currently insufficient to determine the role of this variant in disease. Therefore, it has been classified as a Variant of Uncertain Significance.

Ambry Genetics
Classification: Uncertain significance for Inborn genetic diseases. Last evaluated: 2022-05-05. Review status: criteria provided, single submitter. Criteria: Ambry Variant Classification Scheme 2023. Collection method: clinical testing. Allele origin: germline.

Genetic Services Laboratory, University of Chicago
Classification: Uncertain significance. Last evaluated: 2018-04-04. Review status: criteria provided, single submitter. Criteria: ACMG Guidelines, 2015. Collection method: clinical testing. Allele origin: germline. Affected: no.